The following is an entry in ClinVar:

NM_004333.6(BRAF):c.595A>G (p.Arg199Gly)

Gene: BRAF (B-Raf proto-oncogene, serine/threonine kinase; minus strand). Cytogenetic location: 7q34.
Variant type: single nucleotide variant.
Coding change: c.595A>G on transcript NM_004333.6 (MANE Select); coding-DNA position 595, A replaced by G.
Protein change: p.Arg199Gly; replaces arginine 199 with glycine.
Molecular consequence: missense variant.
Genome position (GRCh38, 1-based): chr7:140,808,905, T>C on the plus strand (A>G on the coding strand, the complement: BRAF is on the minus strand). VCF-style: chr7-140808905-T-C. GRCh37 (hg19) VCF-style: chr7-140508705-T-C.
Other names: c.595A>G, p.Arg199Gly (NM_001354609.2, NM_001374244.1, NM_001374258.1 and 5 more transcripts); c.331A>G, p.Arg111Gly (NM_001378475.1); c.493A>G, p.Arg165Gly (NM_001378470.1); c.439A>G, p.Arg147Gly (NM_001378472.1, NM_001378473.1); short protein forms R165G, R147G, R111G, R199G.
Identifiers: ClinVar variation 4843418 (VCV004843418.1).

ClinVar aggregate classification (germline): Uncertain significance (1 of 4 stars; one submission).

Conditions:
Cardiovascular phenotype. Identifiers: MedGen CN230736.

Submission:

Ambry Genetics
Classification: Uncertain significance for Cardiovascular phenotype. Last evaluated: 2025-12-16. Review status: criteria provided, single submitter. Criteria: Ambry Variant Classification Scheme 2023. Collection method: clinical testing. Allele origin: germline.
Comment: The p.R199G variant (also known as c.595A>G), located in coding exon 4 of the BRAF gene, results from an A to G substitution at nucleotide position 595. The arginine at codon 199 is replaced by glycine, an amino acid with dissimilar properties. This amino acid position is conserved. In addition, this alteration is predicted to be deleterious by in silico analysis. Based on the available evidence, the clinical significance of this variant remains unclear.